The following is an entry in ClinVar:

ClinVar aggregate classification (germline): Uncertain significance (1 of 4 stars; one submission).

Allele frequency attached by ClinVar (database versions not stated): gnomAD exomes below 0.00001; gnomAD 0.00001.
gnomAD v4.1: 4 of 1,612,364 alleles (0.00025%); highest among the groups gnomAD compares: African/African-American, 0.0013%; no homozygotes.

Submission:

GeneDx
Classification: Uncertain significance. Last evaluated: 2022-05-18. Review status: criteria provided, single submitter. Criteria: GeneDx Variant Classification Process June 2021. Collection method: clinical testing. Allele origin: germline. Affected: yes.
Comment: Not observed at significant frequency in large population cohorts (gnomAD); In silico analysis supports that this missense variant does not alter protein structure/function; Has not been previously published as pathogenic or benign to our knowledge

NM_001039141.3(TRIOBP):c.2821C>T (p.Pro941Ser)

Gene: TRIOBP (TRIO and F-actin binding protein; plus strand). Cytogenetic location: 22q13.1.
Variant type: single nucleotide variant.
Coding change: c.2821C>T on transcript NM_001039141.3 (MANE Select); coding-DNA position 2821, C replaced by T.
Protein change: p.Pro941Ser; replaces proline 941 with serine.
Molecular consequence: missense variant.
Genome position (GRCh38, 1-based): chr22:37,725,377, C>T. VCF-style: chr22-37725377-C-T. GRCh37 (hg19) VCF-style: chr22-38121384-C-T.
Other names: short protein forms P941S.
Identifiers: ClinVar variation 1800595 (VCV001800595.1), dbSNP rs1924082853, ClinGen allele CA411473780.